The following is an entry in ClinVar:

ClinVar aggregate classification (germline): Uncertain significance (1 of 4 stars; one submission).

Conditions:
Inborn genetic diseases. Identifiers: MedGen C0950123, MeSH D030342.

gnomAD v4.1: 3 of 1,611,882 alleles (0.00019%); highest among the groups gnomAD compares: Admixed American, 0.0017%; no homozygotes.

Submission:

Ambry Genetics
Classification: Uncertain significance for Inborn genetic diseases. Last evaluated: 2025-02-22. Review status: criteria provided, single submitter. Criteria: Ambry Variant Classification Scheme 2023. Collection method: clinical testing. Allele origin: germline.
Comment: The p.N1230S variant (also known as c.3689A>G), located in coding exon 1 of the SAMD9 gene, results from an A to G substitution at nucleotide position 3689. The asparagine at codon 1230 is replaced by serine, an amino acid with highly similar properties. This amino acid position is conserved. In addition, this alteration is predicted to be tolerated by in silico analysis. Based on the available evidence, the clinical significance of this variant remains unclear.

NM_017654.4(SAMD9):c.3689A>G (p.Asn1230Ser)

Gene: SAMD9 (sterile alpha motif domain containing 9; minus strand). Cytogenetic location: 7q21.2.
Variant type: single nucleotide variant.
Coding change: c.3689A>G on transcript NM_017654.4 (MANE Select); coding-DNA position 3689, A replaced by G.
Protein change: p.Asn1230Ser; replaces asparagine 1230 with serine.
Molecular consequence: missense variant.
Genome position (GRCh38, 1-based): chr7:93,102,409, T>C on the plus strand (A>G on the coding strand, the complement: SAMD9 is on the minus strand). VCF-style: chr7-93102409-T-C. GRCh37 (hg19) VCF-style: chr7-92731722-T-C.
Other names: c.3689A>G, p.Asn1230Ser (NM_001193307.2); short protein forms N1230S.
Identifiers: ClinVar variation 3792121 (VCV003792121.1).